The following is an entry in ClinVar:

NM_014780.5(CUL7):c.3379_3380del (p.Trp1127fs)

Gene: CUL7 (cullin 7; minus strand). Cytogenetic location: 6p21.1.
Variant type: Deletion.
Coding change: c.3379_3380del on transcript NM_014780.5 (MANE Select); coding-DNA positions 3379 to 3380, 2 bases deleted (TG; older notation c.3379_3380delTG).
Protein change: p.Trp1127fs; shifts the reading frame from tryptophan 1127.
Molecular consequence: frameshift variant.
Genome position (GRCh38, 1-based): chr6:43,043,156-43,043,157, CA deleted on the plus strand (TG on the coding strand, the reverse complement: CUL7 is on the minus strand). VCF-style (leftmost placement, unchanged base first): chr6-43043155-CCA-C. GRCh37 (hg19) VCF-style: chr6-43010893-CCA-C.
Other names: c.3379_3380delTG (NM_014780.4); c.3475_3476del, p.Trp1159fs (NM_001168370.2, NM_001374872.1); c.3379_3380del, p.Trp1127fs (NM_001374873.1); c.3376_3377del, p.Trp1126fs (NM_001374874.1); short protein forms W1127fs, W1126fs, W1159fs.
Identifiers: ClinVar variation 1618 (VCV000001618.10), dbSNP rs730880262, ClinGen allele CA251901.

ClinVar aggregate classification (germline): Pathogenic. Review status: criteria provided, multiple submitters, no conflicts (2 of 4 stars). 4 submissions from 4 submitters: Pathogenic (3). 1 of the submissions does not count toward it. Last evaluated 2022-07-27.

Conditions:
CUL7-related disorder. Also called: CUL7-related condition.
3M syndrome 1. Also called: 3-M Syndrome, CUL7-Related. Identifiers: Orphanet 2616, MedGen C2678312, MONDO:0010117, OMIM 273750.

Allele frequency attached by ClinVar (database versions not stated): TOPMed below 0.00001; ExAC 0.00001; gnomAD exomes 0.00001.

Submissions (4):

Labcorp Genetics (formerly Invitae), Labcorp
Classification: Pathogenic. Last evaluated: 2022-07-27. Review status: criteria provided, single submitter. Criteria: Invitae Variant Classification Sherloc (09022015). Collection method: clinical testing. Allele origin: germline.
Comment: This variant is present in population databases (rs730880262, gnomAD 0.01%). For these reasons, this variant has been classified as Pathogenic. ClinVar contains an entry for this variant (Variation ID: 1618). This premature translational stop signal has been observed in individual(s) with 3-M syndrome (PMID: 19225462). This sequence change creates a premature translational stop signal (p.Trp1127Glufs*39) in the CUL7 gene. It is expected to result in an absent or disrupted protein product. Loss-of-function variants in CUL7 are known to be pathogenic (PMID: 16142236, 17675530, 19225462).

Blueprint Genetics
Classification: Pathogenic for CUL7-related disorders. Last evaluated: 2021-12-29. Review status: criteria provided, single submitter. Criteria: ACMG Guidelines, 2015. Collection method: clinical testing. Allele origin: germline. Affected: yes. Observed: 3 variant alleles.

GeneDx
Classification: Pathogenic. Last evaluated: 2020-07-24. Review status: criteria provided, single submitter. Criteria: GeneDx Variant Classification Process June 2021. Collection method: clinical testing. Allele origin: germline. Affected: yes.
Comment: Frameshift variant predicted to result in protein truncation or nonsense mediated decay in a gene for which loss-of-function is a known mechanism of disease; This variant is associated with the following publications: (PMID: 19225462)

OMIM
Classification: Pathogenic for THREE M SYNDROME 1. Last evaluated: 2009-03-01. Review status: no assertion criteria provided. Collection method: literature only. Allele origin: germline. Not counted in ClinVar's aggregate classification.

Literature cited by the submitters: PubMed 19225462 (cited by Labcorp Genetics (formerly Invitae), Labcorp and OMIM); PubMed 16142236 (cited by Labcorp Genetics (formerly Invitae), Labcorp); PubMed 17675530 (cited by Labcorp Genetics (formerly Invitae), Labcorp).